The following is an entry in ClinVar:

ClinVar aggregate classification (germline): Pathogenic/Likely pathogenic. Review status: criteria provided, multiple submitters, no conflicts (2 of 4 stars). 2 submissions from 2 submitters: Pathogenic (1); Likely pathogenic (1). Last evaluated 2021-12-01.

Conditions:
Short-rib thoracic dysplasia 6 with or without polydactyly (SRTD6). Also called: SHORT RIB-POLYDACTYLY SYNDROME, TYPE IIA; SHORT-RIB THORACIC DYSPLASIA 6 WITH POLYDACTYLY; POLYDACTYLY WITH NEONATAL CHONDRODYSTROPHY, TYPE II; Majewski Syndrome; SHORT-RIB THORACIC DYSPLASIA 6 WITHOUT POLYDACTYLY. Identifiers: MedGen C0024507, MONDO:0009894, OMIM 263520.

Allele frequency attached by ClinVar (database versions not stated): gnomAD exomes below 0.00001.
gnomAD v4.1: 1 of 1,473,680 alleles (0.000068%); highest among the groups gnomAD compares: South Asian, 0.0011%; no homozygotes.

Submissions (2):

Labcorp Genetics (formerly Invitae), Labcorp
Classification: Likely pathogenic for Short-rib thoracic dysplasia 6 with or without polydactyly. Last evaluated: 2021-12-01. Review status: criteria provided, single submitter. Criteria: Invitae Variant Classification Sherloc (09022015). Collection method: clinical testing. Allele origin: germline.
Comment: This sequence change affects a donor splice site in intron 2 of the NEK1 gene. It is expected to disrupt RNA splicing. Variants that disrupt the donor or acceptor splice site typically lead to a loss of protein function (PMID: 16199547), and loss-of-function variants in NEK1 are known to be pathogenic (PMID: 22499340, 29068549). This variant is not present in population databases (gnomAD no frequency). This variant has not been reported in the literature in individuals affected with NEK1-related conditions. ClinVar contains an entry for this variant (Variation ID: 195286). Algorithms developed to predict the effect of sequence changes on RNA splicing suggest that this variant may disrupt the consensus splice site. In summary, the currently available evidence indicates that the variant is pathogenic, but additional data are needed to prove that conclusively. Therefore, this variant has been classified as Likely Pathogenic.

Eurofins Ntd Llc (ga)
Classification: Pathogenic. Last evaluated: 2015-04-02. Review status: criteria provided, single submitter. Criteria: EGL Classification Definitions 2015. Collection method: clinical testing. Allele origin: germline. Observed: 1 variant allele, 1 heterozygote.

Literature cited by the submitters: PubMed 16199547 (cited by Labcorp Genetics (formerly Invitae), Labcorp); PubMed 22499340 (cited by Labcorp Genetics (formerly Invitae), Labcorp); PubMed 29068549 (cited by Labcorp Genetics (formerly Invitae), Labcorp).

NM_001199397.3(NEK1):c.117+1G>A

Gene: NEK1 (NIMA related kinase 1; minus strand). Cytogenetic location: 4q33.
Variant type: single nucleotide variant.
Coding change: c.117+1G>A on transcript NM_001199397.3 (MANE Select); the canonical splice donor site of the intron after coding-DNA position 117, G replaced by A.
Molecular consequence: splice donor variant.
Genome position (GRCh38, 1-based): chr4:169,602,513, C>T on the plus strand (G>A on the coding strand, the complement: NEK1 is on the minus strand). VCF-style: chr4-169602513-C-T. GRCh37 (hg19) VCF-style: chr4-170523664-C-T.
Other names: c.117+1G>A (NM_001374421.1, NM_001374420.1, NM_001199399.3 and 7 more transcripts).
Identifiers: ClinVar variation 195286 (VCV000195286.10), dbSNP rs794727285, ClinGen allele CA210629.
Genomic context (GRCh38, chr4:169,602,513, plus strand): 5'-AACAATGAGCTCTATTGTAACTAAACCATTACTCATGAAACCAAACTAAAAATATACTTA[C>T]TCTTGAGATGTTAATTTCCTTGATAACATACTGTCTGCCATCTTCTGTAGATTTAACAAG-3'